The following is an entry in ClinVar:

ClinVar aggregate classification (germline): Uncertain significance (1 of 4 stars; one submission).

Conditions:
Early-infantile DEE. Also called: Early infantile epileptic encephalopathy with suppression bursts; Early infantile epileptic encephalopathy; Ohtahara syndrome. Identifiers: Orphanet 1934, MedGen C0393706, MONDO:0800491.

Submission:

Labcorp Genetics (formerly Invitae), Labcorp
Classification: Uncertain significance for Early-infantile DEE. Last evaluated: 2026-01-12. Review status: criteria provided, single submitter. Criteria: Invitae Variant Classification Sherloc (09022015). Collection method: clinical testing. Allele origin: germline.
Comment: This sequence change falls in intron 20 of the SCN1A gene. It does not directly change the encoded amino acid sequence of the SCN1A protein. However, this sequence change falls within a region encompassing a cryptic exon in the SCN1A gene, in which variants have been shown to alter splicing (PMID: 30526861, 34107977). This variant is present in population databases (no rsID available, gnomAD 0.4%). This variant has not been reported in the literature in individuals affected with SCN1A-related conditions. Algorithms developed to predict the effect of sequence changes on RNA splicing suggest that this variant is not likely to affect RNA splicing. In summary, the available evidence is currently insufficient to determine the role of this variant in disease. Therefore, it has been classified as a Variant of Uncertain Significance.

Literature cited by the submitters: PubMed 30526861; PubMed 34107977.

NM_001165963.4(SCN1A):c.4002+2076_4002+2079del

Genes: SCN1A (sodium voltage-gated channel alpha subunit 1; minus strand), LOC102724058 (uncharacterized LOC102724058; plus strand). Cytogenetic location: 2q24.3.
Variant type: Microsatellite.
Coding change: c.4002+2076_4002+2079del on transcript NM_001165963.4 (MANE Select); bases 2076 to 2079 of the intron after coding-DNA position 4002, 4 bases deleted (AAAT; older notation c.4002+2076_4002+2079delAAAT).
Molecular consequence: intron variant.
Genome position (GRCh38, 1-based): chr2:166,007,640-166,007,643, ATTT deleted on the plus strand (AAAT on the coding strand, the reverse complement: SCN1A is on the minus strand); deleting any 4 consecutive bases within chr2:166,007,640-166,007,647 gives the same sequence; the c. name uses the placement nearest the transcript's 3' end. VCF-style (leftmost placement, unchanged base first): chr2-166007639-AATTT-A. GRCh37 (hg19) VCF-style: chr2-166864149-AATTT-A.
Other names: c.3969+2076_3969+2079del (NM_001353949.2, NM_001353950.2, NM_001353951.2 and 2 more transcripts); c.3918+2076_3918+2079del (NM_001353958.2, NM_001353957.2, NM_001165964.3); c.4002+2076_4002+2079del (NM_001202435.3, NM_001353948.2); c.3966+2076_3966+2079del (NM_001353955.2, NM_001353954.2); c.3915+2076_3915+2079del (NM_001353960.2); c.1560+2076_1560+2079del (NM_001353961.2).
Identifiers: ClinVar variation 1607452 (VCV001607452.9), dbSNP rs1259590393, ClinGen allele CA537134265.
Genomic context (GRCh38, chr2:166,007,639, plus strand): 5'-AAAAGCTGTCAGCCAGAAATGTGCATAAAACATGCAAAACACAAAGTGCAACGTGATGAT[AATTT>A]ATTTGTTACTTTCTAACTTCTTATCAAGCACTGTACAACATGCTTTATTCAGTAATGTTG-3'